The following is an entry in ClinVar:

ClinVar aggregate classification (germline): Conflicting classifications of pathogenicity. Review status: criteria provided, conflicting classifications (1 of 4 stars). 6 submissions from 6 submitters: Uncertain significance (1); Benign (3); Likely benign (2). Last evaluated 2026-08-01.

Conditions:
Autosomal recessive nonsyndromic hearing loss 3. Also called: NEUROSENSORY NONSYNDROMIC RECESSIVE DEAFNESS 3. Identifiers: Orphanet 90636, MedGen C1838263, MONDO:0010860, OMIM 600316.

Allele frequency attached by ClinVar (database versions not stated): gnomAD 0.00451 and 0.00438; ExAC 0.00518; ESP Exome Variant Server 0.00544; 1000 Genomes Project 30x 0.00109; 1000 Genomes Project 0.00140; TOPMed 0.00358; gnomAD exomes 0.00441 and 0.00586.
gnomAD v4.1: 9,151 of 1,612,588 alleles (0.57%); highest among the groups gnomAD compares: Non-Finnish European, 0.68%; 35 homozygotes.

Submissions (6):

CeGaT Center for Human Genetics Tuebingen
Classification: Likely benign. Last evaluated: 2026-08-01. Review status: criteria provided, single submitter. Criteria: CeGaT Center For Human Genetics Tuebingen Variant Classification Criteria Version 2. Collection method: clinical testing. Allele origin: germline. Affected: yes. Observed: 15 variant alleles.
Comment: MYO15A: BP4, BS2

Labcorp Genetics (formerly Invitae), Labcorp
Classification: Benign. Last evaluated: 2026-01-26. Review status: criteria provided, single submitter. Criteria: Invitae Variant Classification Sherloc (09022015). Collection method: clinical testing. Allele origin: germline.

Blueprint Genetics
Classification: Likely benign. Last evaluated: 2024-11-25. Review status: criteria provided, single submitter. Criteria: ACMG Guidelines, 2015. Collection method: clinical testing. Allele origin: germline.

GeneDx
Classification: Benign. Last evaluated: 2019-08-29. Review status: criteria provided, single submitter. Criteria: GeneDx Variant Classification Process June 2021. Collection method: clinical testing. Allele origin: germline. Affected: yes.

Illumina Laboratory Services, Illumina
Classification: Uncertain significance for Autosomal recessive nonsyndromic hearing loss 3. Last evaluated: 2017-04-27. Review status: criteria provided, single submitter. Criteria: ICSL Variant Classification Criteria 13 December 2019. Collection method: clinical testing. Allele origin: germline.

Laboratory for Molecular Medicine, Mass General Brigham Personalized Medicine
Classification: Benign. Last evaluated: 2012-04-30. Review status: criteria provided, single submitter. Criteria: LMM Criteria. Collection method: clinical testing. Allele origin: germline. Observed: 11 variant alleles.
Comment: Arg1965His in Exon 25 of MYO15A: This variant is not expected to have clinical s ignificance because it has been identified in 0.6% (43/6736) of European America n chromosomes from a broad population by the NHLBI Exome Sequencing Project (dbSNP rs139347804).

NM_016239.4(MYO15A):c.5894G>A (p.Arg1965His)

Gene: MYO15A (myosin XVA; plus strand). Cytogenetic location: 17p11.2.
Variant type: single nucleotide variant.
Coding change: c.5894G>A on transcript NM_016239.4 (MANE Select); coding-DNA position 5894, G replaced by A.
Protein change: p.Arg1965His; replaces arginine 1965 with histidine.
Molecular consequence: missense variant.
Genome position (GRCh38, 1-based): chr17:18,142,824, G>A. VCF-style: chr17-18142824-G-A. GRCh37 (hg19) VCF-style: chr17-18046138-G-A.
Other names: short protein forms R1965H.
Identifiers: ClinVar variation 178445 (VCV000178445.58), dbSNP rs139347804, ClinGen allele CA182348.